The following is an entry in ClinVar:

ClinVar aggregate classification (germline): Likely benign. Review status: criteria provided, multiple submitters, no conflicts (2 of 4 stars). 3 submissions from 3 submitters: Likely benign (2). 1 of the submissions does not count toward it. Last evaluated 2025-06-17.

Conditions:
ITGB4-related disorder. Also called: ITGB4-related condition.

Allele frequency attached by ClinVar (database versions not stated): TOPMed 0.00005; gnomAD exomes 0.00006; ExAC 0.00007; gnomAD 0.00007; ESP Exome Variant Server 0.00015.
gnomAD v4.1: 100 of 1,613,048 alleles (0.0062%); highest among the groups gnomAD compares: Non-Finnish European, 0.0081%; no homozygotes.

Submissions (3):

Labcorp Genetics (formerly Invitae), Labcorp
Classification: Likely benign. Last evaluated: 2025-06-17. Review status: criteria provided, single submitter. Criteria: Invitae Variant Classification Sherloc (09022015). Collection method: clinical testing. Allele origin: germline.

Blueprint Genetics
Classification: Likely benign. Last evaluated: 2024-04-02. Review status: criteria provided, single submitter. Criteria: ACMG Guidelines, 2015. Collection method: clinical testing. Allele origin: germline.

PreventionGenetics, part of Exact Sciences
Classification: Likely benign for ITGB4-related condition. Last evaluated: 2024-02-26. Review status: no assertion criteria provided. Collection method: clinical testing. Allele origin: germline. Not counted in ClinVar's aggregate classification.
Comment: This variant is classified as likely benign based on ACMG/AMP sequence variant interpretation guidelines (Richards et al. 2015 PMID: 25741868, with internal and published modifications).

NM_000213.5(ITGB4):c.2385C>T (p.Thr795=)

Gene: ITGB4 (integrin subunit beta 4; plus strand). Cytogenetic location: 17q25.1.
Variant type: single nucleotide variant.
Coding change: c.2385C>T on transcript NM_000213.5 (MANE Select); coding-DNA position 2385, C replaced by T.
Protein change: p.Thr795=; no amino-acid change (threonine 795 retained).
Molecular consequence: synonymous variant.
Genome position (GRCh38, 1-based): chr17:75,740,010, C>T. VCF-style: chr17-75740010-C-T. GRCh37 (hg19) VCF-style: chr17-73736091-C-T.
Other names: c.2385C>T, p.Thr795= (NM_001005619.2, NM_001005731.3, NM_001321123.2).
Identifiers: ClinVar variation 2183424 (VCV002183424.7), dbSNP rs139153979, ClinGen allele CA8769374.